The following is an entry in ClinVar:

NM_020937.4(FANCM):c.5572A>T (p.Ser1858Cys)

Gene: FANCM (FA complementation group M; plus strand). Cytogenetic location: 14q21.2.
Variant type: single nucleotide variant.
Coding change: c.5572A>T on transcript NM_020937.4 (MANE Select); coding-DNA position 5572, A replaced by T.
Protein change: p.Ser1858Cys; replaces serine 1858 with cysteine.
Molecular consequence: missense variant.
Genome position (GRCh38, 1-based): chr14:45,196,403, A>T. VCF-style: chr14-45196403-A-T. GRCh37 (hg19) VCF-style: chr14-45665606-A-T.
Other names: c.5494A>T, p.Ser1832Cys (NM_001308133.2); short protein forms S1832C, S1858C.
Identifiers: ClinVar variation 2501654 (VCV002501654.2), dbSNP rs2503270475, ClinGen allele CA389586150.
Genomic context (GRCh38, chr14:45,196,403, plus strand): 5'-AGAGCAATTCATGGGTTGCAAGTAGAAGTTTGTCCTCTTAATGGCTGTGATTACATCGTG[A>T]GTAATCGCATGGTGGTGGAAAGGAGGTCTCAATCTGAGATGTTAAATAGTGTCAATAAGA-3'
Protein context (NP_065988.1, residues 1848-1868): CPLNGCDYIV[Ser1858Cys]NRMVVERRSQ

ClinVar aggregate classification (germline): Uncertain significance. Review status: criteria provided, multiple submitters, no conflicts (2 of 4 stars). 2 submissions from 2 submitters: Uncertain significance (2). Last evaluated 2025-01-03.

Conditions:
Inborn genetic diseases. Identifiers: MedGen C0950123, MeSH D030342.

Submissions (2):

Ambry Genetics
Classification: Uncertain significance for Inborn genetic diseases. Last evaluated: 2025-01-03. Review status: criteria provided, single submitter. Criteria: Ambry Variant Classification Scheme 2023. Collection method: clinical testing. Allele origin: germline.
Comment: The p.S1858C variant (also known as c.5572A>T), located in coding exon 21 of the FANCM gene, results from an A to T substitution at nucleotide position 5572. The serine at codon 1858 is replaced by cysteine, an amino acid with dissimilar properties. This amino acid position is conserved. In addition, this alteration is predicted to be deleterious by in silico analysis. Based on the available evidence, the clinical significance of this variant remains unclear.

GeneDx
Classification: Uncertain significance. Last evaluated: 2023-05-03. Review status: criteria provided, single submitter. Criteria: GeneDx Variant Classification Process June 2021. Collection method: clinical testing. Allele origin: germline. Affected: yes.
Comment: Not observed at significant frequency in large population cohorts (gnomAD); In silico analysis supports that this missense variant has a deleterious effect on protein structure/function; Has not been previously published as pathogenic or benign to our knowledge